The following continues an entry in ClinVar:

NM_000179.3(MSH6):c.4002-10T>A

Gene: MSH6. ClinVar aggregate classification (germline): Conflicting classifications of pathogenicity. Uncertain significance (5); Benign (6); Likely benign (7).

Submissions 18 to 22 of 22:

Color Diagnostics, LLC DBA Color Health
Classification: Likely benign for Hereditary cancer-predisposing syndrome. Last evaluated: 2015-12-28. Review status: criteria provided, single submitter. Criteria: ACMG Guidelines, 2015. Collection method: clinical testing. Allele origin: germline.

PreventionGenetics, part of Exact Sciences
Classification: Likely benign for MSH6-related condition. Last evaluated: 2023-01-27. Review status: no assertion criteria provided. Collection method: clinical testing. Allele origin: germline. Not counted in ClinVar's aggregate classification.
Comment: This variant is classified as likely benign based on ACMG/AMP sequence variant interpretation guidelines (Richards et al. 2015 PMID: 25741868, with internal and published modifications).

Department of Pathology and Laboratory Medicine, Sinai Health System
Classification: Likely benign for Carcinoma of colon. Review status: no assertion criteria provided. Collection method: clinical testing. Allele origin: unknown. Affected: yes. Study: The Canadian Open Genetics Repository (COGR). Not counted in ClinVar's aggregate classification.
Comment: The MSH6, c.4002-10T>A, r.(spl?) variant was identified in 31 of 48 proband chromosomes (frequency: 0.6) from individuals or families with familial colorectal cancer (Lucci-Cordisco 2001). The variant was also identified in dbSNP (ID: rs545466048) as â€šÃ„ÃºWith Uncertain significance alleleâ€šÃ„Ã¹, ClinVar (1x likely benign: Invitae; 3x uncertain significance: InSiGHT, GeneDx, Partners HealthCare), COSMIC (1x confirmed somatic in Wilms tumour of kidney), UMD-LSDB (biological significance neutral; variation in splice site consensus value <10%), Insight Colon Cancer Gene Variant Database (3x uncertain significance), Mismatch Repair Genes Variant Database (as c.4002-8dupA polymorphism in Verma 1999 and Lucci-Cordisco 2001, describing this as a poly A expansion where â€šÃ„Ãºsequencing suggests that different length variants exist or are highly prone to stuttering so that it is not possible to sequence across them"), Insight Hereditary Tumors Database (3x effect unknown), databases. The variant was not identified in MutDB, or the Zhejiang Colon Cancer Database. The variant was identified in control databases in 57 of 213460 chromosomes at a frequency of 0.0003 increasing the likelihood this could be a low frequency benign variant (Genome Aggregation Consortium Feb 27, 2017). In summary, based on the above information the clinical significance of this variant cannot be determined with certainty at this time although we would lean towards a more benign role for this variant. This variant is classified as likely benign.

Joint Genome Diagnostic Labs from Nijmegen and Maastricht, Radboudumc and MUMC+
Classification: Likely benign. Review status: no assertion criteria provided. Collection method: clinical testing. Allele origin: germline. Affected: yes. Study: VKGL Data-share Consensus. Not counted in ClinVar's aggregate classification.

Laboratory of Diagnostic Genome Analysis, Leiden University Medical Center (LUMC)
Classification: Likely benign. Review status: no assertion criteria provided. Collection method: clinical testing. Allele origin: germline. Affected: yes. Study: VKGL Data-share Consensus. Not counted in ClinVar's aggregate classification.

Literature cited by the submitters: PubMed 21056691 (cited by 3 submitters); PubMed 26181448 (cited by Quest Diagnostics Nichols Institute San Juan Capistrano and Women's Health and Genetics/Laboratory Corporation of America, LabCorp); PubMed 30306255 (cited by Quest Diagnostics Nichols Institute San Juan Capistrano and Women's Health and Genetics/Laboratory Corporation of America, LabCorp); PubMed 25561518 (cited by Women's Health and Genetics/Laboratory Corporation of America, LabCorp); PubMed 25670083 (cited by Women's Health and Genetics/Laboratory Corporation of America, LabCorp).